The following is an entry in ClinVar:

NM_178565.5(RSPO2):c.595A>G (p.Thr199Ala)

Gene: RSPO2 (R-spondin 2; minus strand). Cytogenetic location: 8q23.1.
Variant type: single nucleotide variant.
Coding change: c.595A>G on transcript NM_178565.5 (MANE Select); coding-DNA position 595, A replaced by G.
Protein change: p.Thr199Ala; replaces threonine 199 with alanine.
Molecular consequence: missense variant.
Genome position (GRCh38, 1-based): chr8:107,958,101, T>C on the plus strand (A>G on the coding strand, the complement: RSPO2 is on the minus strand). VCF-style: chr8-107958101-T-C. GRCh37 (hg19) VCF-style: chr8-108970329-T-C.
Other names: c.403A>G, p.Thr135Ala (NM_001282863.2); c.394A>G, p.Thr132Ala (NM_001317942.2); short protein forms T135A, T132A, T199A.
Identifiers: ClinVar variation 1998737 (VCV001998737.4), dbSNP rs2537294421, ClinGen allele CA372036539.

ClinVar aggregate classification (germline): Uncertain significance (1 of 4 stars; one submission).

Submission:

Labcorp Genetics (formerly Invitae), Labcorp
Classification: Uncertain significance. Last evaluated: 2022-05-25. Review status: criteria provided, single submitter. Criteria: Invitae Variant Classification Sherloc (09022015). Collection method: clinical testing. Allele origin: germline.
Comment: In summary, the available evidence is currently insufficient to determine the role of this variant in disease. Therefore, it has been classified as a Variant of Uncertain Significance. Algorithms developed to predict the effect of missense changes on protein structure and function output the following: SIFT: "Tolerated"; PolyPhen-2: "Benign"; Align-GVGD: "Class C0". The alanine amino acid residue is found in multiple mammalian species, which suggests that this missense change does not adversely affect protein function. This variant has not been reported in the literature in individuals affected with RSPO2-related conditions. This variant is not present in population databases (gnomAD no frequency). This sequence change replaces threonine, which is neutral and polar, with alanine, which is neutral and non-polar, at codon 199 of the RSPO2 protein (p.Thr199Ala).